The following is an entry in ClinVar:

ClinVar aggregate classification (germline): Uncertain significance (1 of 4 stars; one submission).

Conditions:
Cardiovascular phenotype. Identifiers: MedGen CN230736.

gnomAD v4.1: 3 of 1,614,054 alleles (0.00019%); highest among the groups gnomAD compares: Non-Finnish European, 0.00025%; no homozygotes.

Submission:

Ambry Genetics
Classification: Uncertain significance for Cardiovascular phenotype. Last evaluated: 2025-11-02. Review status: criteria provided, single submitter. Criteria: Ambry Variant Classification Scheme 2023. Collection method: clinical testing. Allele origin: germline.
Comment: The p.P3061S variant (also known as c.9181C>T), located in coding exon 26 of the APOB gene, results from a C to T substitution at nucleotide position 9181. The proline at codon 3061 is replaced by serine, an amino acid with similar properties. This amino acid position is conserved. In addition, this alteration is predicted to be tolerated by in silico analysis. Based on the available evidence, the clinical significance of this variant remains unclear.

NM_000384.3(APOB):c.9181C>T (p.Pro3061Ser)

Gene: APOB (apolipoprotein B; minus strand). Cytogenetic location: 2p24.1.
Variant type: single nucleotide variant.
Coding change: c.9181C>T on transcript NM_000384.3 (MANE Select); coding-DNA position 9181, C replaced by T.
Protein change: p.Pro3061Ser; replaces proline 3061 with serine.
Molecular consequence: missense variant.
Genome position (GRCh38, 1-based): chr2:21,007,687, G>A on the plus strand (C>T on the coding strand, the complement: APOB is on the minus strand). VCF-style: chr2-21007687-G-A. GRCh37 (hg19) VCF-style: chr2-21230559-G-A.
Other names: short protein forms P3061S.
Identifiers: ClinVar variation 4613674 (VCV004613674.1).